The following is an entry in ClinVar:

ClinVar aggregate classification (germline): Benign. Review status: criteria provided, single submitter (1 of 4 stars). 2 submissions from 2 submitters: Benign (1). 1 of the submissions does not count toward it. Last evaluated 2018-06-14.

Allele frequency attached by ClinVar (database versions not stated): ESP Exome Variant Server 0.29722; gnomAD 0.31255 and 0.31550; 1000 Genomes Project 30x 0.32058; 1000 Genomes Project 0.32268; TOPMed 0.32837; gnomAD exomes 0.34727 and 0.37832; ExAC 0.48685.
gnomAD v4.1: 523,084 of 1,521,362 alleles (34%); highest among the groups gnomAD compares: Admixed American, 54%; 92,868 homozygotes.

Submissions (2):

GeneDx
Classification: Benign. Last evaluated: 2018-06-14. Review status: criteria provided, single submitter. Criteria: GeneDx Variant Classification (06012015). Collection method: clinical testing. Allele origin: germline. Affected: yes.
Comment: This variant is considered likely benign or benign based on one or more of the following criteria: it is a conservative change, it occurs at a poorly conserved position in the protein, it is predicted to be benign by multiple in silico algorithms, and/or has population frequency not consistent with disease.

Genetic Services Laboratory, University of Chicago
Classification: Likely benign. Review status: no assertion criteria provided. Collection method: clinical testing. Allele origin: germline. Inheritance: Autosomal dominant inheritance. Not counted in ClinVar's aggregate classification.
Comment: Likely benign based on allele frequency in 1000 Genomes Project or ESP global frequency and its presence in a patient with a rare or unrelated disease phenotype. NOT Sanger confirmed

NM_032119.4(ADGRV1):c.5665-23T>C

Gene: ADGRV1 (adhesion G protein-coupled receptor V1; plus strand). Cytogenetic location: 5q14.3.
Variant type: single nucleotide variant.
Coding change: c.5665-23T>C on transcript NM_032119.4 (MANE Select); 23 bases into the intron before coding-DNA position 5665, T replaced by C.
Molecular consequence: intron variant.
Genome position (GRCh38, 1-based): chr5:90,683,563, T>C. VCF-style: chr5-90683563-T-C. GRCh37 (hg19) VCF-style: chr5-89979380-T-C.
Identifiers: ClinVar variation 158652 (VCV000158652.6), dbSNP rs4916683, ClinGen allele CA172275.